The following is an entry in ClinVar:

ClinVar aggregate classification (germline): Uncertain significance (1 of 4 stars; one submission).

Conditions:
Skin creases, congenital symmetric circumferential, 2 (CSCSC2). Identifiers: MedGen C4225225, MONDO:0014755, OMIM 616734.

Submission:

3billion
Classification: Uncertain significance for Skin creases, congenital symmetric circumferential, 2. Last evaluated: 2024-06-21. Review status: criteria provided, single submitter. Criteria: ACMG Guidelines, 2015. Collection method: clinical testing. Allele origin: germline. Affected: yes.
Comment: The variant is not observed in the gnomAD v4.0.0 dataset. Predicted Consequence/Location: Missense changes are a common disease-causing mechanism. In silico tool predictions suggest no damaging effect of the variant on gene or gene product [REVEL: 0.26 (<0.4); 3Cnet: 0.06 (<0.15, specificity 0.78 and negative predictive value 0.92)]. Therefore, this variant is classified as VUS according to the recommendation of ACMG/AMP guideline.

NM_014268.4(MAPRE2):c.70G>A (p.Gly24Arg)

Gene: MAPRE2 (microtubule associated protein RP/EB family member 2; plus strand). Cytogenetic location: 18q12.1.
Variant type: single nucleotide variant.
Coding change: c.70G>A on transcript NM_014268.4 (MANE Select); coding-DNA position 70, G replaced by A.
Protein change: p.Gly24Arg; replaces glycine 24 with arginine.
Molecular consequence: missense variant. On other transcripts: synonymous variant (1), non-coding transcript variant (1), intron variant (2).
Genome position (GRCh38, 1-based): chr18:35,041,609, G>A. VCF-style: chr18-35041609-G-A. GRCh37 (hg19) VCF-style: chr18-32621573-G-A.
Other names: c.39G>A, p.Thr13= (NM_001256420.2); c.-7-28586G>A (NM_001143826.3); c.87-28586G>A (NM_001143827.3); short protein forms G24R.
Identifiers: ClinVar variation 4292656 (VCV004292656.1).